The following is an entry in ClinVar:

NM_201384.3(PLEC):c.343-8G>A

Gene: PLEC (plectin; minus strand). Cytogenetic location: 8q24.3.
Variant type: single nucleotide variant.
Coding change: c.343-8G>A on transcript NM_201384.3 (MANE Select); 8 bases into the intron before coding-DNA position 343, G replaced by A.
Molecular consequence: intron variant.
Genome position (GRCh38, 1-based): chr8:143,937,079, C>T on the plus strand (G>A on the coding strand, the complement: PLEC is on the minus strand). VCF-style: chr8-143937079-C-T. GRCh37 (hg19) VCF-style: chr8-145011247-C-T.
Other names: c.424-8G>A (NM_000445.5, NM_000445.4); c.301-8G>A (NM_201378.4); c.277-8G>A (NM_201379.3); c.754-8G>A (NM_201380.4); c.247-8G>A (NM_201381.3); c.343-8G>A (NM_201382.4); c.355-8G>A (NM_201383.3).
Identifiers: ClinVar variation 513476 (VCV000513476.11), dbSNP rs539256971, ClinGen allele CA4928472.

ClinVar aggregate classification (germline): Likely benign. Review status: criteria provided, multiple submitters, no conflicts (2 of 4 stars). 4 submissions from 4 submitters: Likely benign (4). Last evaluated 2026-07-26.

Conditions:
PLEC-related disorder. Also called: PLEC-related condition; PLEC-related disorders.
Autosomal recessive limb-girdle muscular dystrophy type 2Q (LGMDR17). Also called: MUSCULAR DYSTROPHY, LIMB-GIRDLE, AUTOSOMAL RECESSIVE 17. Identifiers: Orphanet 254361, MedGen C3150989, MONDO:0013390, OMIM 613723.
Epidermolysis bullosa simplex 5B, with muscular dystrophy (EBS5B). Also called: EPIDERMOLYSIS BULLOSA SIMPLEX AND LIMB-GIRDLE MUSCULAR DYSTROPHY; Epidermolysis bullosa simplex with muscular dystrophy. Identifiers: Orphanet 257, MedGen C2931072, MONDO:0009181, OMIM 226670.
Epidermolysis bullosa simplex, Ogna type (EBS5A). Also called: Pidermolysis bullosa simplex 5A, Ogna type; EPIDERMOLYSIS BULLOSA SIMPLEX 5A, OGNA TYPE. Identifiers: Orphanet 79401, MedGen C0432317, MONDO:0007555, OMIM 131950.
Epidermolysis bullosa simplex with nail dystrophy (EBS5D). Identifiers: MedGen C4225309, MONDO:0014661, OMIM 616487.
Epidermolysis bullosa simplex 5C, with pyloric atresia (EBS5C). Also called: PLEC-Related Epidermolysis Bullosa with Pyloric Atresia; Epidermolysis bullosa simplex with pyloric atresia; PLEC1-Related Epidermolysis Bullosa with Pyloric Atresia. Identifiers: Orphanet 158684, MedGen C2677349, MONDO:0012807, OMIM 612138.

Allele frequency attached by ClinVar (database versions not stated): gnomAD 0.00001; gnomAD exomes 0.00002 and 0.00003; TOPMed 0.00003; ExAC 0.00006; 1000 Genomes Project 30x 0.00016; 1000 Genomes Project 0.00020.
gnomAD v4.1: 31 of 1,612,128 alleles (0.0019%); highest among the groups gnomAD compares: Middle Eastern, 0.017%; no homozygotes.

Submissions (4):

PreventionGenetics, part of Exact Sciences
Classification: Likely benign for PLEC-related condition. Last evaluated: 2026-07-26. Review status: criteria provided, single submitter. Criteria: ACMG Guidelines, 2015. Collection method: clinical testing. Allele origin: germline.
Comment: This variant is classified as likely benign based on ACMG/AMP sequence variant interpretation guidelines (Richards et al. 2015 PMID: 25741868, with internal and published modifications).

Labcorp Genetics (formerly Invitae), Labcorp
Classification: Likely benign for Autosomal recessive limb-girdle muscular dystrophy type 2Q; Epidermolysis bullosa simplex, Ogna type; Epidermolysis bullosa simplex with nail dystrophy; Epidermolysis bullosa simplex 5C, with pyloric atresia; Epidermolysis bullosa simplex 5B, with muscular dystrophy. Last evaluated: 2024-05-07. Review status: criteria provided, single submitter. Criteria: Invitae Variant Classification Sherloc (09022015). Collection method: clinical testing. Allele origin: germline.

Blueprint Genetics
Classification: Likely benign. Last evaluated: 2024-01-30. Review status: criteria provided, single submitter. Criteria: ACMG Guidelines, 2015. Collection method: clinical testing. Allele origin: germline.

GeneDx
Classification: Likely benign. Last evaluated: 2017-11-30. Review status: criteria provided, single submitter. Criteria: GeneDx Variant Classification (06012015). Collection method: clinical testing. Allele origin: germline. Affected: yes.
Comment: This variant is considered likely benign or benign based on one or more of the following criteria: it is a conservative change, it occurs at a poorly conserved position in the protein, it is predicted to be benign by multiple in silico algorithms, and/or has population frequency not consistent with disease.